The following is an entry in ClinVar:

NM_032043.3(BRIP1):c.903G>A (p.Leu301=)

Gene: BRIP1 (BRCA1 interacting DNA helicase 1; minus strand). Cytogenetic location: 17q23.2.
Variant type: single nucleotide variant.
Coding change: c.903G>A on transcript NM_032043.3 (MANE Select); coding-DNA position 903, G replaced by A.
Protein change: p.Leu301=; no amino-acid change (leucine 301 retained).
Molecular consequence: synonymous variant.
Genome position (GRCh38, 1-based): chr17:61,808,482, C>T on the plus strand (G>A on the coding strand, the complement: BRIP1 is on the minus strand). VCF-style: chr17-61808482-C-T. GRCh37 (hg19) VCF-style: chr17-59885843-C-T.
Identifiers: ClinVar variation 233691 (VCV000233691.18), dbSNP rs876660578, ClinGen allele CA10580852.
Genomic context (GRCh38, chr17:61,808,482, plus strand): 5'-ATTTTCAGCCTTATTTTTTCTCTAACACAAAATAACTTTACTCACGTTTTTCCCATCTAG[C>T]AATTCCATGCACTTCTCATTTCTGTTGAAGTTACCGACTACCTCAGGATGGACACAAGTA-3'
Protein context (NP_114432.2, residues 291-311): NFNRNEKCME[Leu301=]LDGKNGKSCY

ClinVar aggregate classification (germline): Benign/Likely benign. Review status: criteria provided, multiple submitters, no conflicts (2 of 4 stars). 4 submissions from 4 submitters: Benign (1); Likely benign (3). Last evaluated 2025-03-04.

Conditions:
Fanconi anemia complementation group J. Also called: BRIP1-Related Fanconi Anemia. Identifiers: Orphanet 84, MedGen C1836860, MONDO:0012187, OMIM 609054.
Familial cancer of breast. Also called: hereditary breast carcinoma; BREAST CANCER, FAMILIAL; Hereditary breast cancer. Identifiers: Orphanet 227535, MedGen C0346153, MONDO:0016419, OMIM 114480. Disease mechanism: loss of function.
Hereditary cancer-predisposing syndrome. Also called: Tumor predisposition; Hereditary Cancer Syndrome; Hereditary neoplastic syndrome; Neoplastic Syndromes, Hereditary. Identifiers: Orphanet 140162, MedGen C0027672, MeSH D009386, MONDO:0015356.

Allele frequency attached by ClinVar (database versions not stated): gnomAD exomes below 0.00001.

Submissions (4):

Center for Genomic Medicine, Rigshospitalet, Copenhagen University Hospital
Classification: Likely benign. Last evaluated: 2025-03-04. Review status: criteria provided, single submitter. Criteria: ACMG Guidelines, 2015. Collection method: clinical testing. Allele origin: germline.

Myriad Genetics, Inc.
Classification: Benign for Familial cancer of breast. Last evaluated: 2024-08-22. Review status: criteria provided, single submitter. Criteria: Myriad Autosomal Dominant, Autosomal Recessive and X-Linked Classification Criteria (2023). Collection method: clinical testing. Allele origin: unknown.
Comment: This variant is considered benign. This variant is a silent/synonymous amino acid change and it is not expected to impact splicing.

Labcorp Genetics (formerly Invitae), Labcorp
Classification: Likely benign for Familial cancer of breast; Fanconi anemia complementation group J. Last evaluated: 2019-11-11. Review status: criteria provided, single submitter. Criteria: Invitae Variant Classification Sherloc (09022015). Collection method: clinical testing. Allele origin: germline.

Ambry Genetics
Classification: Likely benign for Hereditary cancer-predisposing syndrome. Last evaluated: 2015-09-03. Review status: criteria provided, single submitter. Criteria: Ambry Variant Classification Scheme 2023. Collection method: clinical testing. Allele origin: germline.